The following is an entry in ClinVar:

ClinVar aggregate classification (germline): Uncertain significance (1 of 4 stars; one submission).

Conditions:
Perrault syndrome. Also called: Gonadal dysgenesis with auditory dysfunction, autosomal recessive inheritance. Identifiers: Orphanet 2855, MedGen C0685838, MONDO:0017312.
Bifunctional peroxisomal enzyme deficiency (DBIF). Also called: D-bifunctional protein deficiency; DBP DEFICIENCY; PBFE DEFICIENCY. Identifiers: Orphanet 300, MedGen C0342870, MONDO:0009855, OMIM 261515. Disease mechanism: loss of function.

Allele frequency attached by ClinVar (database versions not stated): gnomAD exomes 0.00001.
gnomAD v4.1: 6 of 1,600,206 alleles (0.00037%); highest among the groups gnomAD compares: Non-Finnish European, 0.00051%; no homozygotes.

Submission:

Labcorp Genetics (formerly Invitae), Labcorp
Classification: Uncertain significance for Perrault syndrome; Bifunctional peroxisomal enzyme deficiency. Last evaluated: 2021-11-11. Review status: criteria provided, single submitter. Criteria: Invitae Variant Classification Sherloc (09022015). Collection method: clinical testing. Allele origin: germline.
Comment: This sequence change replaces aspartic acid, which is acidic and polar, with valine, which is neutral and non-polar, at codon 44 of the HSD17B4 protein (p.Asp44Val). This variant is not present in population databases (gnomAD no frequency). This variant has not been reported in the literature in individuals affected with HSD17B4-related conditions. Algorithms developed to predict the effect of missense changes on protein structure and function are either unavailable or do not agree on the potential impact of this missense change (SIFT: "Deleterious"; PolyPhen-2: "Possibly Damaging"; Align-GVGD: "Class C15"). In summary, the available evidence is currently insufficient to determine the role of this variant in disease. Therefore, it has been classified as a Variant of Uncertain Significance.

NM_000414.4(HSD17B4):c.131A>T (p.Asp44Val)

Gene: HSD17B4 (hydroxysteroid 17-beta dehydrogenase 4; plus strand). Cytogenetic location: 5q23.1.
Variant type: single nucleotide variant.
Coding change: c.131A>T on transcript NM_000414.4 (MANE Select); coding-DNA position 131, A replaced by T.
Protein change: p.Asp44Val; replaces aspartic acid 44 with valine.
Molecular consequence: missense variant. On other transcripts: 5 prime UTR variant (6), non-coding transcript variant (2).
Genome position (GRCh38, 1-based): chr5:119,473,926, A>T. VCF-style: chr5-119473926-A-T. GRCh37 (hg19) VCF-style: chr5-118809621-A-T.
Other names: c.206A>T, p.Asp69Val (NM_001199291.3); c.77A>T, p.Asp26Val (NM_001199292.2); c.59A>T, p.Asp20Val (NM_001292027.2); c.-281A>T (NM_001292028.2, NM_001374501.1); c.131A>T, p.Asp44Val (NM_001374497.1, NM_001374498.1); c.-150A>T (NM_001374499.1); c.-408A>T (NM_001374500.1); c.-286A>T (NM_001374502.1, NM_001374503.1); short protein forms D26V, D20V, D44V, D69V.
Identifiers: ClinVar variation 1392532 (VCV001392532.6), dbSNP rs200063597, ClinGen allele CA125857517.